The following is an entry in ClinVar:

NM_001064.4(TKT):c.1314G>A (p.Arg438=)

Genes: TKT (transketolase; minus strand), LOC126806684 (CDK7 strongly-dependent group 2 enhancer GRCh37_chr3:53261945-53263144; plus strand). Cytogenetic location: 3p21.1.
Variant type: single nucleotide variant.
Coding change: c.1314G>A on transcript NM_001064.4 (MANE Select); coding-DNA position 1314, G replaced by A.
Protein change: p.Arg438=; no amino-acid change (arginine 438 retained).
Molecular consequence: synonymous variant. On other transcripts: non-coding transcript variant (1).
Genome position (GRCh38, 1-based): chr3:53,229,088, C>T on the plus strand (G>A on the coding strand, the complement: TKT is on the minus strand). VCF-style: chr3-53229088-C-T. GRCh37 (hg19) VCF-style: chr3-53263104-C-T.
Other names: c.1314G>A, p.Arg438= (NM_001135055.3); c.1338G>A, p.Arg446= (NM_001258028.2).
Identifiers: ClinVar variation 3905416 (VCV003905416.10).

ClinVar aggregate classification (germline): Likely benign (1 of 4 stars; one submission).

gnomAD v4.1: 144 of 1,614,046 alleles (0.0089%); highest among the groups gnomAD compares: Non-Finnish European, 0.012%; no homozygotes.

Submission:

CeGaT Center for Human Genetics Tuebingen
Classification: Likely benign. Last evaluated: 2025-05-01. Review status: criteria provided, single submitter. Criteria: CeGaT Center For Human Genetics Tuebingen Variant Classification Criteria Version 2. Collection method: clinical testing. Allele origin: germline. Affected: yes. Observed: 1 variant allele.
Comment: TKT: BP4, BP7